The following is an entry in ClinVar:

NM_001048174.2(MUTYH):c.793C>A (p.Gln265Lys)

Gene: MUTYH (mutY DNA glycosylase; minus strand). Cytogenetic location: 1p34.1.
Variant type: single nucleotide variant.
Coding change: c.793C>A on transcript NM_001048174.2 (MANE Select); coding-DNA position 793, C replaced by A.
Protein change: p.Gln265Lys; replaces glutamine 265 with lysine.
Molecular consequence: missense variant. On other transcripts: non-coding transcript variant (7).
Genome position (GRCh38, 1-based): chr1:45,332,222, G>T on the plus strand (C>A on the coding strand, the complement: MUTYH is on the minus strand). VCF-style: chr1-45332222-G-T. GRCh37 (hg19) VCF-style: chr1-45797894-G-T.
Other names: c.793C>A, p.Gln265Lys (NM_001048171.2, NM_001048173.2, NM_001293195.2 and 6 more transcripts); c.796C>A, p.Gln266Lys (NM_001048172.2, NM_001407071.1, NM_001407078.1 and 1 more transcripts); c.877C>A, p.Gln293Lys (NM_001128425.2); c.838C>A, p.Gln280Lys (NM_001293190.2); c.826C>A, p.Gln276Lys (NM_001293191.2, NM_001407069.1, NM_001407077.1); c.517C>A, p.Gln173Lys (NM_001293192.2, NM_001293196.2, NM_001407091.1); c.448C>A, p.Gln150Lys (NM_001350650.2, NM_001350651.2, NM_001407082.1); c.709C>A, p.Gln237Lys (NM_001407075.1); and 5 more; short protein forms Q276K, Q279K, Q293K, Q252K, Q280K, Q150K, Q173K, Q237K.
Identifiers: ClinVar variation 4113875 (VCV004113875.1).

ClinVar aggregate classification (germline): Uncertain significance (1 of 4 stars; one submission).

Conditions:
Hereditary cancer-predisposing syndrome. Also called: Hereditary neoplastic syndrome; Neoplastic Syndromes, Hereditary; Tumor predisposition; Hereditary Cancer Syndrome. Identifiers: Orphanet 140162, MedGen C0027672, MeSH D009386, MONDO:0015356.

Submission:

Ambry Genetics
Classification: Uncertain significance for Hereditary cancer-predisposing syndrome. Last evaluated: 2025-08-27. Review status: criteria provided, single submitter. Criteria: Ambry Variant Classification Scheme 2023. Collection method: clinical testing. Allele origin: germline.
Comment: The p.Q293K variant (also known as c.877C>A), located in coding exon 10 of the MUTYH gene, results from a C to A substitution at nucleotide position 877. The glutamine at codon 293 is replaced by lysine, an amino acid with similar properties. This amino acid position is conserved. In addition, this alteration is predicted to be tolerated by in silico analysis. Based on the available evidence, the clinical significance of this variant remains unclear.